The following is an entry in ClinVar:

NM_001384125.1(BLTP1):c.1554A>C (p.Pro518=)

Gene: BLTP1 (bridge-like lipid transfer protein family member 1; plus strand). Cytogenetic location: 4q27.
Variant type: single nucleotide variant.
Coding change: c.1554A>C on transcript NM_001384125.1 (MANE Select); coding-DNA position 1554, A replaced by C.
Protein change: p.Pro518=; no amino-acid change (proline 518 retained).
Molecular consequence: synonymous variant.
Genome position (GRCh38, 1-based): chr4:122,207,165, A>C. VCF-style: chr4-122207165-A-C. GRCh37 (hg19) VCF-style: chr4-123128320-A-C.
Other names: c.1554A>C, p.Pro518= (NM_015312.4).
Identifiers: ClinVar variation 2655063 (VCV002655063.24), dbSNP rs376640769, ClinGen allele CA3065658.
Genomic context (GRCh38, chr4:122,207,165, plus strand): 5'-TTTAGATTTAATTCAAGACTGGTCTAGTGACAGTCCTCCAGACATTTTTTCATTTGTTCC[A>C]TATACGTGGAATTTTAAAATCATGTTTCATCAGTTTGAAATGATTTGGGCTGCTAATCAA-3'
Protein context (NP_001371054.1, residues 508-528): DSPPDIFSFV[Pro518=]YTWNFKIMFH

ClinVar aggregate classification (germline): Likely benign (1 of 4 stars; one submission).

Allele frequency attached by ClinVar (database versions not stated): ExAC 0.00005; gnomAD 0.00013; ESP Exome Variant Server 0.00025.
gnomAD v4.1: 32 of 1,611,034 alleles (0.002%); highest among the groups gnomAD compares: African/African-American, 0.041%; no homozygotes.

Submission:

CeGaT Center for Human Genetics Tuebingen
Classification: Likely benign. Last evaluated: 2023-09-01. Review status: criteria provided, single submitter. Criteria: CeGaT Center For Human Genetics Tuebingen Variant Classification Criteria Version 2. Collection method: clinical testing. Allele origin: germline. Affected: yes. Observed: 1 variant allele.
Comment: BLTP1: BP4, BP7